The following is an entry in ClinVar:

NM_176787.5(PIGN):c.2427-14T>A

Gene: PIGN (phosphatidylinositol glycan anchor biosynthesis class N; minus strand). Cytogenetic location: 18q21.33.
Variant type: single nucleotide variant.
Coding change: c.2427-14T>A on transcript NM_176787.5 (MANE Select); 14 bases into the intron before coding-DNA position 2427, T replaced by A.
Molecular consequence: intron variant.
Genome position (GRCh38, 1-based): chr18:62,084,620, A>T on the plus strand (T>A on the coding strand, the complement: PIGN is on the minus strand). VCF-style: chr18-62084620-A-T. GRCh37 (hg19) VCF-style: chr18-59751853-A-T.
Other names: c.2427-14T>A (NM_012327.6).
Identifiers: ClinVar variation 2110604 (VCV002110604.1), dbSNP rs2033605542, ClinGen allele CA2308168621.

ClinVar aggregate classification (germline): Uncertain significance (1 of 4 stars; one submission).

Conditions:
Multiple congenital anomalies-hypotonia-seizures syndrome 1 (MCAHS1). Also called: GLYCOSYLPHOSPHATIDYLINOSITOL BIOSYNTHESIS DEFECT 3; PIGN-CDG; Congenital disorder of glycosylation due to PIGN deficiency. Identifiers: Orphanet 280633, MedGen C3279775, MONDO:0013563, OMIM 614080.

Allele frequency attached by ClinVar (database versions not stated): TOPMed below 0.00001.

Submission:

Labcorp Genetics (formerly Invitae), Labcorp
Classification: Uncertain significance for Multiple congenital anomalies-hypotonia-seizures syndrome 1. Last evaluated: 2022-03-13. Review status: criteria provided, single submitter. Criteria: Invitae Variant Classification Sherloc (09022015). Collection method: clinical testing. Allele origin: germline.
Comment: This sequence change falls in intron 26 of the PIGN gene. It does not directly change the encoded amino acid sequence of the PIGN protein. This variant is not present in population databases (gnomAD no frequency). This variant has not been reported in the literature in individuals affected with PIGN-related conditions. Algorithms developed to predict the effect of sequence changes on RNA splicing suggest that this variant may disrupt the consensus splice site. In summary, the available evidence is currently insufficient to determine the role of this variant in disease. Therefore, it has been classified as a Variant of Uncertain Significance.